The following is an entry in ClinVar:

ClinVar aggregate classification (germline): Likely benign (1 of 4 stars; one submission).

Allele frequency attached by ClinVar (database versions not stated): 1000 Genomes Project 0.00220; 1000 Genomes Project 30x 0.00281; ESP Exome Variant Server 0.00386; TOPMed 0.00617.

Submission:

CeGaT Center for Human Genetics Tuebingen
Classification: Likely benign. Last evaluated: 2024-08-01. Review status: criteria provided, single submitter. Criteria: CeGaT Center For Human Genetics Tuebingen Variant Classification Criteria Version 2. Collection method: clinical testing. Allele origin: germline. Affected: yes. Observed: 4 variant alleles.
Comment: CYP2D6: BP4, BP7, BS2

NM_000106.6(CYP2D6):c.1203G>A (p.Ser401=)

Gene: CYP2D6 (cytochrome P450 family 2 subfamily D member 6 (gene/pseudogene); minus strand). Cytogenetic location: 22q13.2.
Variant type: single nucleotide variant.
Coding change: c.1203G>A on transcript NM_000106.6 (MANE Select); coding-DNA position 1203, G replaced by A.
Protein change: p.Ser401=; no amino-acid change (serine 401 retained).
Molecular consequence: synonymous variant.
Genome position (GRCh38, 1-based): chr22:42,126,963, C>T on the plus strand (G>A on the coding strand, the complement: CYP2D6 is on the minus strand). VCF-style: chr22-42126963-C-T. GRCh37 (hg19) VCF-style: chr22-42522965-C-T.
Other names: c.1050G>A, p.Ser350= (NM_001025161.3).
Identifiers: ClinVar variation 2653237 (VCV002653237.24), dbSNP rs28371732, ClinGen allele CA10264585.